The following is an entry in ClinVar:

ClinVar aggregate classification (germline): Pathogenic (1 of 4 stars; one submission).

Conditions:
COG1 congenital disorder of glycosylation (CDG2G). Also called: CONGENITAL DISORDER OF GLYCOSYLATION, TYPE IIg; CDG IIg; CDGII/COG1 CEREBROCOSTOMANDIBULAR-LIKE SYNDROME. Identifiers: Orphanet 263508, MedGen C2931011, MONDO:0012637, OMIM 611209.

Submission:

Labcorp Genetics (formerly Invitae), Labcorp
Classification: Pathogenic for COG1 congenital disorder of glycosylation. Last evaluated: 2023-07-21. Review status: criteria provided, single submitter. Criteria: Invitae Variant Classification Sherloc (09022015). Collection method: clinical testing. Allele origin: germline.
Comment: This variant is not present in population databases (gnomAD no frequency). This sequence change creates a premature translational stop signal (p.Lys377Argfs*41) in the COG1 gene. It is expected to result in an absent or disrupted protein product. Loss-of-function variants in COG1 are known to be pathogenic (PMID: 16537452). This variant has not been reported in the literature in individuals affected with COG1-related conditions. For these reasons, this variant has been classified as Pathogenic. ClinVar contains an entry for this variant (Variation ID: 1480682).

Literature cited by the submitters: PubMed 16537452.

NM_018714.3(COG1):c.1130del (p.Lys377fs)

Genes: COG1 (component of oligomeric golgi complex 1; plus strand), LOC126862634 (CDK7 strongly-dependent group 2 enhancer GRCh37_chr17:71195948-71197147; plus strand). Cytogenetic location: 17q25.1.
Variant type: Deletion.
Coding change: c.1130del on transcript NM_018714.3 (MANE Select); coding-DNA position 1130, one base deleted (A; older notation c.1130delA).
Protein change: p.Lys377fs; shifts the reading frame from lysine 377.
Molecular consequence: frameshift variant.
Genome position (GRCh38, 1-based): chr17:73,200,625, A deleted; the last of 2 consecutive A bases (chr17:73,200,624-73,200,625); deleting either gives the same sequence. VCF-style (leftmost placement, unchanged base first): chr17-73200623-GA-G. GRCh37 (hg19) VCF-style: chr17-71196762-GA-G.
Other names: short protein forms K377fs.
Identifiers: ClinVar variation 1480682 (VCV001480682.6), dbSNP rs2145097019, ClinGen allele CA2573154797.